The following is an entry in ClinVar:

NM_194302.4(CFAP65):c.2083C>T (p.Pro695Ser)

Gene: CFAP65 (cilia and flagella associated protein 65; minus strand). Cytogenetic location: 2q35.
Variant type: single nucleotide variant.
Coding change: c.2083C>T on transcript NM_194302.4 (MANE Select); coding-DNA position 2083, C replaced by T.
Protein change: p.Pro695Ser; replaces proline 695 with serine.
Molecular consequence: missense variant.
Genome position (GRCh38, 1-based): chr2:219,027,778, G>A on the plus strand (C>T on the coding strand, the complement: CFAP65 is on the minus strand). VCF-style: chr2-219027778-G-A. GRCh37 (hg19) VCF-style: chr2-219892500-G-A.
Other names: c.2050C>T, p.Pro684Ser (NM_001278295.1); c.1888C>T, p.Pro630Ser (NM_001278296.2); c.2083C>T (NM_194302.3); short protein forms P630S, P684S, P695S.
Identifiers: ClinVar variation 2651908 (VCV002651908.25), dbSNP rs143251011, ClinGen allele CA2115778.

ClinVar aggregate classification (germline): Likely benign. Review status: criteria provided, single submitter (1 of 4 stars). 2 submissions from 2 submitters: Likely benign (1). 1 of the submissions does not count toward it. Last evaluated 2022-04-01.

Conditions:
CFAP65-related disorder. Also called: CFAP65-related condition.

Allele frequency attached by ClinVar (database versions not stated): 1000 Genomes Project 30x 0.00047; 1000 Genomes Project 0.00060; TOPMed 0.00083; ExAC 0.00086; gnomAD 0.00094; ESP Exome Variant Server 0.00123; gnomAD exomes 0.00164.
gnomAD v4.1: 2,499 of 1,613,924 alleles (0.15%); highest among the groups gnomAD compares: Non-Finnish European, 0.2%; 5 homozygotes.

Submissions (2):

CeGaT Center for Human Genetics Tuebingen
Classification: Likely benign. Last evaluated: 2022-04-01. Review status: criteria provided, single submitter. Criteria: CeGaT Center For Human Genetics Tuebingen Variant Classification Criteria Version 2. Collection method: clinical testing. Allele origin: germline. Affected: yes. Observed: 1 variant allele.
Comment: CFAP65: BP4, BS1:Supporting

PreventionGenetics, part of Exact Sciences
Classification: Likely benign for CFAP65-related condition. Last evaluated: 2022-02-17. Review status: no assertion criteria provided. Collection method: clinical testing. Allele origin: germline. Not counted in ClinVar's aggregate classification.
Comment: This variant is classified as likely benign based on ACMG/AMP sequence variant interpretation guidelines (Richards et al. 2015 PMID: 25741868, with internal and published modifications).